The following is an entry in ClinVar:

ClinVar aggregate classification (germline): Likely benign. Review status: criteria provided, multiple submitters, no conflicts (2 of 4 stars). 6 submissions from 6 submitters: Likely benign (6). Last evaluated 2026-09-23.

Conditions:
PIGN-related disorder. Also called: PIGN-related condition.
Inborn genetic diseases. Identifiers: MedGen C0950123, MeSH D030342.
Multiple congenital anomalies-hypotonia-seizures syndrome 1 (MCAHS1). Also called: GLYCOSYLPHOSPHATIDYLINOSITOL BIOSYNTHESIS DEFECT 3; PIGN-CDG; Congenital disorder of glycosylation due to PIGN deficiency. Identifiers: Orphanet 280633, MedGen C3279775, MONDO:0013563, OMIM 614080.

Allele frequency attached by ClinVar (database versions not stated): gnomAD exomes 0.00018 and 0.00026; ExAC 0.00019; gnomAD 0.00019; TOPMed 0.00020; 1000 Genomes Project 30x 0.00031; 1000 Genomes Project 0.00040; ESP Exome Variant Server 0.00051.
gnomAD v4.1: 417 of 1,605,074 alleles (0.026%); highest among the groups gnomAD compares: Non-Finnish European, 0.033%; no homozygotes.

Submissions (6):

PreventionGenetics, part of Exact Sciences
Classification: Likely benign for PIGN-related condition. Last evaluated: 2026-09-23. Review status: criteria provided, single submitter. Criteria: ACMG Guidelines, 2015. Collection method: clinical testing. Allele origin: germline.
Comment: This variant is classified as likely benign based on ACMG/AMP sequence variant interpretation guidelines (Richards et al. 2015 PMID: 25741868, with internal and published modifications).

Labcorp Genetics (formerly Invitae), Labcorp
Classification: Likely benign for Multiple congenital anomalies-hypotonia-seizures syndrome 1. Last evaluated: 2026-01-19. Review status: criteria provided, single submitter. Criteria: Invitae Variant Classification Sherloc (09022015). Collection method: clinical testing. Allele origin: germline.

Blueprint Genetics
Classification: Likely benign. Last evaluated: 2024-11-27. Review status: criteria provided, single submitter. Criteria: ACMG Guidelines, 2015. Collection method: clinical testing. Allele origin: germline.

Women's Health and Genetics/Laboratory Corporation of America, LabCorp
Classification: Likely benign. Last evaluated: 2024-06-21. Review status: criteria provided, single submitter. Criteria: LabCorp Variant Classification Summary - May 2015. Collection method: clinical testing. Allele origin: germline.

GeneDx
Classification: Likely benign. Last evaluated: 2020-10-21. Review status: criteria provided, single submitter. Criteria: GeneDx Variant Classification Process June 2021. Collection method: clinical testing. Allele origin: germline. Affected: yes.

Ambry Genetics
Classification: Likely benign for Inborn genetic diseases. Last evaluated: 2018-03-06. Review status: criteria provided, single submitter. Criteria: Ambry Variant Classification Scheme 2023. Collection method: clinical testing. Allele origin: germline.

NM_176787.5(PIGN):c.2580T>A (p.Leu860=)

Gene: PIGN (phosphatidylinositol glycan anchor biosynthesis class N; minus strand). Cytogenetic location: 18q21.33.
Variant type: single nucleotide variant.
Coding change: c.2580T>A on transcript NM_176787.5 (MANE Select); coding-DNA position 2580, T replaced by A.
Protein change: p.Leu860=; no amino-acid change (leucine 860 retained).
Molecular consequence: synonymous variant.
Genome position (GRCh38, 1-based): chr18:62,074,818, A>T on the plus strand (T>A on the coding strand, the complement: PIGN is on the minus strand). VCF-style: chr18-62074818-A-T. GRCh37 (hg19) VCF-style: chr18-59742051-A-T.
Other names: c.2580T>A, p.Leu860= (NM_012327.6).
Identifiers: ClinVar variation 472222 (VCV000472222.19), dbSNP rs199959895, ClinGen allele CA8981939.